The following is an entry in ClinVar:

ClinVar aggregate classification (germline): Uncertain significance (1 of 4 stars; one submission).

Conditions:
Charcot-Marie-Tooth disease axonal type 2L. Also called: CHARCOT-MARIE-TOOTH DISEASE, AXONAL, AUTOSOMAL DOMINANT, TYPE 2L; CHARCOT-MARIE-TOOTH NEUROPATHY, AXONAL, TYPE 2L; Charcot-Marie-Tooth Neuropathy Type 2L. Identifiers: Orphanet 99945, MedGen C1837552, MONDO:0012096, OMIM 608673.

Submission:

Labcorp Genetics (formerly Invitae), Labcorp
Classification: Uncertain significance for Charcot-Marie-Tooth disease axonal type 2L. Last evaluated: 2020-10-03. Review status: criteria provided, single submitter. Criteria: Invitae Variant Classification Sherloc (09022015). Collection method: clinical testing. Allele origin: germline.
Comment: This variant results in a copy number gain of the genomic region encompassing exon(s) 3 of the HSPB8 gene. The 5' boundary is likely confined to intron 2. The 3' end of this event is unknown as it extends beyond the assayed region for this gene and therefore may encompass additional genes. As the precise location of this event is unknown, it may be in tandem or it may be located elsewhere in the genome. This variant has not been reported in the literature in individuals with HSPB8-related conditions. In summary, the available evidence is currently insufficient to determine the role of this variant in disease. Therefore, it has been classified as a Variant of Uncertain Significance.

NC_000012.11:g.(?_119631494)_(119631673_?)dup

Gene: HSPB8 (heat shock protein family B (small) member 8; plus strand). Cytogenetic location: 12q24.23.
Variant type: Duplication.
Identifiers: ClinVar variation 1007967 (VCV001007967.1).